The following is an entry in ClinVar:

NM_000083.3(CLCN1):c.853G>A (p.Gly285Arg)

Gene: CLCN1 (chloride voltage-gated channel 1; plus strand). Cytogenetic location: 7q34.
Variant type: single nucleotide variant.
Coding change: c.853G>A on transcript NM_000083.3 (MANE Select); coding-DNA position 853, G replaced by A.
Protein change: p.Gly285Arg; replaces glycine 285 with arginine.
Molecular consequence: missense variant. On other transcripts: non-coding transcript variant (1).
Genome position (GRCh38, 1-based): chr7:143,324,492, G>A. VCF-style: chr7-143324492-G-A. GRCh37 (hg19) VCF-style: chr7-143021585-G-A.
Other names: c.853G>A (NM_000083.2); short protein forms G285R.
Identifiers: ClinVar variation 2953283 (VCV002953283.5), dbSNP rs1802528906, ClinGen allele CA369687623.

ClinVar aggregate classification (germline): Conflicting classifications of pathogenicity. Review status: criteria provided, conflicting classifications (1 of 4 stars). 3 submissions from 3 submitters: Likely pathogenic (2); Uncertain significance (1). Last evaluated 2025-07-28.

Conditions:
Congenital myotonia, autosomal recessive form. Also called: BECKER DISEASE; Becker Generalized Myotonia; myotonia congenita, autosomal recessive. Identifiers: Orphanet 614, MedGen C0751360, MONDO:0009715, OMIM 255700.
Congenital myotonia, autosomal dominant form (THD). Also called: THOMSEN DISEASE; Myotonia congenita autosomal dominant. Identifiers: Orphanet 614, MedGen C2936781, MONDO:0008055, OMIM 160800.

Allele frequency attached by ClinVar (database versions not stated): TOPMed below 0.00001.

Submissions (3):

Athena Diagnostics
Classification: Uncertain significance. Last evaluated: 2025-07-28. Review status: criteria provided, single submitter. Criteria: Athena Diagnostics Criteria. Collection method: clinical testing. Allele origin: unknown.
Comment: Available data are insufficient to determine the clinical significance of the variant at this time. This variant has not been reported in large, multi-ethnic general populations. Multiple affected individuals have been reported with missense changes at this codon, suggesting this variant also causes disease. Polyphen and MutationTaster predict this amino acid change may be damaging to the protein.

3billion
Classification: Likely pathogenic for Congenital myotonia, autosomal recessive form. Last evaluated: 2025-07-07. Review status: criteria provided, single submitter. Criteria: ACMG Guidelines, 2015. Collection method: clinical testing. Allele origin: germline. Affected: yes.
Comment: The variant is not observed in the gnomAD v4.1.0 dataset. Predicted Consequence/Location: Missense variant In silico tool predictions suggest damaging effect of the variant on gene or gene product [REVEL: 0.94 (>=0.6, sensitivity 0.68 and specificity 0.92); 3Cnet: 0.98 (> 0.75, sensitivity 0.96 and precision 0.92)].In silico tools predict the variant to alter splicing and produce an abnormal transcript [SpliceAI: 0.3 (spliceogenicity >=0.2, non-spliceogenicity <0.1)]. The same nucleotide change resulting in the same amino acid change has been previously reported to be associated with CLCN1-related disorder (ClinVar ID: VCV002953283). Different missense changes at the same codon (p.Gly285Glu, p.Gly285Val) have been reported as pathogenic/likely pathogenic with strong evidence (ClinVar ID: VCV000280100, VCV002083486 /PMID: 34529042, 9736777 /3billion dataset). Therefore, this variant is classified as Likely pathogenic according to the recommendation of ACMG/AMP guideline.

Labcorp Genetics (formerly Invitae), Labcorp
Classification: Likely pathogenic for Congenital myotonia, autosomal recessive form; Congenital myotonia, autosomal dominant form. Last evaluated: 2023-10-04. Review status: criteria provided, single submitter. Criteria: Invitae Variant Classification Sherloc (09022015). Collection method: clinical testing. Allele origin: germline.
Comment: This sequence change replaces glycine, which is neutral and non-polar, with arginine, which is basic and polar, at codon 285 of the CLCN1 protein (p.Gly285Arg). This variant also falls at the last nucleotide of exon 7, which is part of the consensus splice site for this exon. This variant is not present in population databases (gnomAD no frequency). This missense change has been observed in individual(s) with clinical features of autosomal recessive myotonia congenita (Invitae). In at least one individual the data is consistent with being in trans (on the opposite chromosome) from a pathogenic variant. An algorithm developed to predict the effect of missense changes on protein structure and function (PolyPhen-2) suggests that this variant is likely to be disruptive. Variants that disrupt the consensus splice site are a relatively common cause of aberrant splicing (PMID: 17576681, 9536098). Algorithms developed to predict the effect of sequence changes on RNA splicing suggest that this variant may disrupt the consensus splice site. This variant disrupts the p.Gly285 amino acid residue in CLCN1. Other variant(s) that disrupt this residue have been determined to be pathogenic (PMID: 9736777, 12390967, 18337730, 21387378, 24037712). This suggests that this residue is clinically significant, and that variants that disrupt this residue are likely to be disease-causing. In summary, the currently available evidence indicates that the variant is pathogenic, but additional data are needed to prove that conclusively. Therefore, this variant has been classified as Likely Pathogenic.

Literature cited by the submitters: PubMed 34529042 (cited by 3billion); PubMed 17576681 (cited by Labcorp Genetics (formerly Invitae), Labcorp); PubMed 9536098 (cited by Labcorp Genetics (formerly Invitae), Labcorp); PubMed 9736777 (cited by Labcorp Genetics (formerly Invitae), Labcorp); PubMed 12390967 (cited by Labcorp Genetics (formerly Invitae), Labcorp); PubMed 18337730 (cited by Labcorp Genetics (formerly Invitae), Labcorp); PubMed 21387378 (cited by Labcorp Genetics (formerly Invitae), Labcorp); PubMed 24037712 (cited by Labcorp Genetics (formerly Invitae), Labcorp).